The following is an entry in ClinVar:

ClinVar aggregate classification (germline): Conflicting classifications of pathogenicity. Review status: criteria provided, conflicting classifications (1 of 4 stars). 2 submissions from 2 submitters: Uncertain significance (1); Likely benign (1). Last evaluated 2025-09-22.

Conditions:
Hereditary cancer-predisposing syndrome. Also called: Tumor predisposition; Hereditary Cancer Syndrome; Neoplastic Syndromes, Hereditary; Hereditary neoplastic syndrome. Identifiers: Orphanet 140162, MedGen C0027672, MeSH D009386, MONDO:0015356.

Submissions (2):

Quest Diagnostics Nichols Institute San Juan Capistrano
Classification: Uncertain significance. Last evaluated: 2025-09-22. Review status: criteria provided, single submitter. Criteria: Quest Diagnostics criteria. Collection method: clinical testing. Allele origin: unknown.
Comment: The PTCH1 c.2931C>T (p.Tyr977=) synonymous variant has not been reported in individuals with PTCH1-related conditions in the published literature. This variant has not been reported in large, multi-ethnic general populations (Genome Aggregation Database). Analysis of this variant using software algorithms for the prediction of the effect of nucleotide changes on splicing yielded predictions that this variant does not affect PTCH1 mRNA splicing. Based on the available information, we are unable to determine the clinical significance of this variant.

Ambry Genetics
Classification: Likely benign for Hereditary cancer-predisposing syndrome. Last evaluated: 2019-05-09. Review status: criteria provided, single submitter. Criteria: Ambry Variant Classification Scheme 2023. Collection method: clinical testing. Allele origin: germline.

NM_000264.5(PTCH1):c.2931C>T (p.Tyr977=)

Gene: PTCH1 (patched 1; minus strand). Cytogenetic location: 9q22.32.
Variant type: single nucleotide variant.
Coding change: c.2931C>T on transcript NM_000264.5 (MANE Select); coding-DNA position 2931, C replaced by T.
Protein change: p.Tyr977=; no amino-acid change (tyrosine 977 retained).
Molecular consequence: synonymous variant. On other transcripts: non-coding transcript variant (1).
Genome position (GRCh38, 1-based): chr9:95,458,250, G>A on the plus strand (C>T on the coding strand, the complement: PTCH1 is on the minus strand). VCF-style: chr9-95458250-G-A. GRCh37 (hg19) VCF-style: chr9-98220532-G-A.
Other names: c.2733C>T, p.Tyr911= (NM_001083602.3); c.2928C>T, p.Tyr976= (NM_001083603.3); c.2478C>T, p.Tyr826= (NM_001083604.3, NM_001083605.3, NM_001083606.3 and 1 more transcripts); c.2775C>T, p.Tyr925= (NM_001354918.2); c.2931C>T (NM_000264.4).
Identifiers: ClinVar variation 822304 (VCV000822304.5), dbSNP rs1588540806, ClinGen allele CA466352178.